The following is an entry in ClinVar:

ClinVar aggregate classification (germline): Likely pathogenic. Review status: criteria provided, multiple submitters, no conflicts (2 of 4 stars). 2 submissions from 2 submitters: Likely pathogenic (2). Last evaluated 2024-11-04.

Conditions:
Dilated cardiomyopathy 1G (CMD1G). Identifiers: Orphanet 154, MedGen C1858763, MONDO:0011400, OMIM 604145.
Autosomal recessive limb-girdle muscular dystrophy type 2J (LGMDR10). Also called: Limb-girdle muscular dystrophy, type 2J; MUSCULAR DYSTROPHY, LIMB-GIRDLE, AUTOSOMAL RECESSIVE 10. Identifiers: Orphanet 140922, MedGen C1837342, MONDO:0012127, OMIM 608807.

Submissions (2):

Labcorp Genetics (formerly Invitae), Labcorp
Classification: Likely pathogenic for Dilated cardiomyopathy 1G; Autosomal recessive limb-girdle muscular dystrophy type 2J. Last evaluated: 2024-11-04. Review status: criteria provided, single submitter. Criteria: Invitae Variant Classification Sherloc (09022015). Collection method: clinical testing. Allele origin: germline.
Comment: This sequence change creates a premature translational stop signal (p.Lys16123Argfs*5) in the TTN gene. While this is not anticipated to result in nonsense mediated decay, it is expected to create a truncated TTN protein. This variant is not present in population databases (gnomAD no frequency). This variant has not been reported in the literature in individuals affected with TTN-related conditions. This variant is located in the A band of TTN (PMID: 25589632). Truncating variants in this region are significantly overrepresented in patients affected with dilated cardiomyopathy (PMID: 25589632). Truncating variants in this region have also been reported in individuals affected with autosomal recessive centronuclear myopathy (PMID: 23975875). In summary, the currently available evidence indicates that the variant is pathogenic, but additional data are needed to prove that conclusively. Therefore, this variant has been classified as Likely Pathogenic.

Revvity Omics, Revvity
Classification: Likely pathogenic. Last evaluated: 2024-05-13. Review status: criteria provided, single submitter. Criteria: ACMG Guidelines, 2015. Collection method: clinical testing. Allele origin: germline.

Literature cited by the submitters: PubMed 25589632 (cited by Labcorp Genetics (formerly Invitae), Labcorp); PubMed 23975875 (cited by Labcorp Genetics (formerly Invitae), Labcorp).

NM_001267550.2(TTN):c.48368_48369del (p.Lys16123fs)

Genes: TTN (titin; minus strand), TTN-AS1 (TTN antisense RNA 1; plus strand). Cytogenetic location: 2q31.2.
Variant type: Deletion.
Coding change: c.48368_48369del on transcript NM_001267550.2 (MANE Select); coding-DNA positions 48368 to 48369, 2 bases deleted (AA; older notation c.48368_48369delAA).
Protein change: p.Lys16123fs; shifts the reading frame from lysine 16123.
Molecular consequence: frameshift variant.
Genome position (GRCh38, 1-based): chr2:178,615,732-178,615,733, TT deleted on the plus strand (AA on the coding strand, the reverse complement: TTN is on the minus strand); deleting any 2 consecutive bases within chr2:178,615,732-178,615,735 gives the same sequence; the c. name uses the placement nearest the transcript's 3' end. VCF-style (leftmost placement, unchanged base first): chr2-178615731-CTT-C. GRCh37 (hg19) VCF-style: chr2-179480458-CTT-C.
Other names: c.43445_43446del, p.Lys14482fs (NM_001256850.1); c.21173_21174del, p.Lys7058fs (NM_003319.4); c.40664_40665del, p.Lys13555fs (NM_133378.4); c.21548_21549del, p.Lys7183fs (NM_133432.3); c.21749_21750del, p.Lys7250fs (NM_133437.4); short protein forms K13555fs, K14482fs, K16123fs, K7058fs, K7183fs, K7250fs.
Identifiers: ClinVar variation 3759211 (VCV003759211.3).